The following is an entry in ClinVar:

ClinVar aggregate classification (germline): Uncertain significance (1 of 4 stars; one submission).

Conditions:
Rhabdoid tumor predisposition syndrome 2 (RTPS2). Identifiers: Orphanet 231108, Orphanet 69077, MedGen C2750074, MONDO:0013224, OMIM 613325.

Submission:

Labcorp Genetics (formerly Invitae), Labcorp
Classification: Uncertain significance for Rhabdoid tumor predisposition syndrome 2. Last evaluated: 2025-11-13. Review status: criteria provided, single submitter. Criteria: Invitae Variant Classification Sherloc (09022015). Collection method: clinical testing. Allele origin: germline.
Comment: This sequence change replaces glutamic acid, which is acidic and polar, with valine, which is neutral and non-polar, at codon 1255 of the SMARCA4 protein (p.Glu1255Val). This variant is not present in population databases (gnomAD no frequency). This variant has not been reported in the literature in individuals affected with SMARCA4-related conditions. Invitae Evidence Modeling of protein sequence and biophysical properties (such as structural, functional, and spatial information, amino acid conservation, physicochemical variation, residue mobility, and thermodynamic stability) has been performed for this missense variant. However, the output from this modeling did not meet the statistical confidence thresholds required to predict the impact of this variant on SMARCA4 protein function. In summary, the available evidence is currently insufficient to determine the role of this variant in disease. Therefore, it has been classified as a Variant of Uncertain Significance.

NM_003072.5(SMARCA4):c.3764A>T (p.Glu1255Val)

Gene: SMARCA4 (SWI/SNF related BAF chromatin remodeling complex subunit ATPase 4; plus strand). Cytogenetic location: 19p13.2.
Variant type: single nucleotide variant.
Coding change: c.3764A>T on transcript NM_003072.5 (MANE Select); coding-DNA position 3764, A replaced by T.
Protein change: p.Glu1255Val; replaces glutamic acid 1255 with valine.
Molecular consequence: missense variant. On other transcripts: non-coding transcript variant (1).
Genome position (GRCh38, 1-based): chr19:11,033,507, A>T. VCF-style: chr19-11033507-A-T. GRCh37 (hg19) VCF-style: chr19-11144183-A-T.
Other names: c.3764A>T, p.Glu1255Val (NM_001128844.3, NM_001128845.2, NM_001128846.2 and 6 more transcripts); short protein forms E1255V.
Identifiers: ClinVar variation 4802580 (VCV004802580.1).
Genomic context (GRCh38, chr19:11,033,507, plus strand): 5'-ACCAGAAGTCCTCCAGCCATGAGCGGCGCGCCTTCCTGCAGGCCATCCTGGAGCACGAGG[A>T]GCAGGATGAGGTGAGCCCAGCACCGGCCCCGACCCCTCCCCAGCGTGAATGGTGGACGCG-3'
Protein context (NP_003063.2, residues 1245-1265): AFLQAILEHE[Glu1255Val]QDESRHCSTG